The following is an entry in ClinVar:

NM_001101.5(ACTB):c.687G>T (p.Thr229=)

Gene: ACTB (actin beta; minus strand). Cytogenetic location: 7p22.1.
Variant type: single nucleotide variant.
Coding change: c.687G>T on transcript NM_001101.5 (MANE Select); coding-DNA position 687, G replaced by T.
Protein change: p.Thr229=; no amino-acid change (threonine 229 retained).
Molecular consequence: synonymous variant.
Genome position (GRCh38, 1-based): chr7:5,528,396, C>A on the plus strand (G>T on the coding strand, the complement: ACTB is on the minus strand). VCF-style: chr7-5528396-C-A. GRCh37 (hg19) VCF-style: chr7-5568027-C-A.
Other names: c.687G>T (NM_001101.3).
Identifiers: ClinVar variation 1135685 (VCV001135685.10), dbSNP rs138499594, ClinGen allele CA4146970.

ClinVar aggregate classification (germline): Likely benign. Review status: criteria provided, single submitter (1 of 4 stars). 2 submissions from 2 submitters: Likely benign (1). 1 of the submissions does not count toward it. Last evaluated 2025-12-15.

Conditions:
Baraitser-Winter syndrome 1 (BRWS1). Also called: BARAITSER-WINTER SYNDROME 1, ATYPICAL; Cerebrofrontofacial syndrome; PACHYGYRIA, MENTAL RETARDATION, EPILEPSY, AND CHARACTERISTIC FACIES; MENTAL RETARDATION WITH EPILEPSY AND CHARACTERISTIC FACIES. Identifiers: Orphanet 2649, Orphanet 2995, MedGen C1855722, MONDO:0009470, OMIM 243310.
ACTB-related disorder. Also called: ACTB-related disorders; ACTB-related condition.

Allele frequency attached by ClinVar (database versions not stated): 1000 Genomes Project 30x 0.00016.

Submissions (2):

Labcorp Genetics (formerly Invitae), Labcorp
Classification: Likely benign for Baraitser-Winter syndrome 1. Last evaluated: 2025-12-15. Review status: criteria provided, single submitter. Criteria: Invitae Variant Classification Sherloc (09022015). Collection method: clinical testing. Allele origin: germline.

PreventionGenetics, part of Exact Sciences
Classification: Likely benign for ACTB-related condition. Last evaluated: 2024-06-02. Review status: no assertion criteria provided. Collection method: clinical testing. Allele origin: germline. Not counted in ClinVar's aggregate classification.
Comment: This variant is classified as likely benign based on ACMG/AMP sequence variant interpretation guidelines (Richards et al. 2015 PMID: 25741868, with internal and published modifications).